The following is an entry in ClinVar:

ClinVar aggregate classification (germline): Pathogenic (1 of 4 stars; one submission).

Submission:

Labcorp Genetics (formerly Invitae), Labcorp
Classification: Pathogenic. Last evaluated: 2023-09-08. Review status: criteria provided, single submitter. Criteria: Invitae Variant Classification Sherloc (09022015). Collection method: clinical testing. Allele origin: germline.
Comment: For these reasons, this variant has been classified as Pathogenic. ClinVar contains an entry for this variant (Variation ID: 1423348). This sequence change creates a premature translational stop signal (p.Thr2606Profs*7) in the VPS13A gene. It is expected to result in an absent or disrupted protein product. Loss-of-function variants in VPS13A are known to be pathogenic (PMID: 12404112, 21598378). This variant is not present in population databases (gnomAD no frequency). This variant has not been reported in the literature in individuals affected with VPS13A-related conditions.

Literature cited by the submitters: PubMed 12404112; PubMed 21598378.

NM_033305.3(VPS13A):c.7811_7814dup (p.Thr2606fs)

Gene: VPS13A (vacuolar protein sorting 13 homolog A; plus strand). Cytogenetic location: 9q21.2.
Variant type: Duplication.
Coding change: c.7811_7814dup on transcript NM_033305.3 (MANE Select); coding-DNA positions 7811 to 7814, 4 bases duplicated (GCCT; older notation c.7811_7814dupGCCT).
Protein change: p.Thr2606fs; shifts the reading frame from threonine 2606.
Molecular consequence: frameshift variant.
Genome position (GRCh38, 1-based): chr9:77,357,696-77,357,699, GCCT duplicated. VCF-style (leftmost placement, unchanged base first): chr9-77357695-C-CGCCT. GRCh37 (hg19) VCF-style: chr9-79972611-C-CGCCT.
Other names: c.7694_7697dup, p.Thr2567fs (NM_001018037.2); c.7811_7814dup, p.Thr2606fs (NM_001018038.3, NM_015186.4); short protein forms T2567fs, T2606fs.
Identifiers: ClinVar variation 1423348 (VCV001423348.6), dbSNP rs2131556360, ClinGen allele CA2573144676.